The following is an entry in ClinVar:

NM_032043.3(BRIP1):c.3261T>C (p.Asn1087=)

Gene: BRIP1 (BRCA1 interacting DNA helicase 1; minus strand). Cytogenetic location: 17q23.2.
Variant type: single nucleotide variant.
Coding change: c.3261T>C on transcript NM_032043.3 (MANE Select); coding-DNA position 3261, T replaced by C.
Protein change: p.Asn1087=; no amino-acid change (asparagine 1087 retained).
Molecular consequence: synonymous variant.
Genome position (GRCh38, 1-based): chr17:61,683,785, A>G on the plus strand (T>C on the coding strand, the complement: BRIP1 is on the minus strand). VCF-style: chr17-61683785-A-G. GRCh37 (hg19) VCF-style: chr17-59761146-A-G.
Identifiers: ClinVar variation 3378483 (VCV003378483.2).

ClinVar aggregate classification (germline): Benign/Likely benign. Review status: criteria provided, multiple submitters, no conflicts (2 of 4 stars). 2 submissions from 2 submitters: Benign (1); Likely benign (1). Last evaluated 2024-09-10.

Conditions:
Hereditary cancer-predisposing syndrome. Also called: Neoplastic Syndromes, Hereditary; Tumor predisposition; Hereditary Cancer Syndrome; Hereditary neoplastic syndrome. Identifiers: Orphanet 140162, MedGen C0027672, MeSH D009386, MONDO:0015356.
Familial cancer of breast. Also called: hereditary breast carcinoma; Hereditary breast cancer; BREAST CANCER, FAMILIAL. Identifiers: Orphanet 227535, MedGen C0346153, MONDO:0016419, OMIM 114480. Disease mechanism: loss of function.

Submissions (2):

Myriad Genetics, Inc.
Classification: Benign for Familial cancer of breast. Last evaluated: 2024-09-10. Review status: criteria provided, single submitter. Criteria: Myriad Autosomal Dominant, Autosomal Recessive and X-Linked Classification Criteria (2023). Collection method: clinical testing. Allele origin: unknown.
Comment: This variant is considered benign. This variant is a silent/synonymous amino acid change and it is not expected to impact splicing.

Ambry Genetics
Classification: Likely benign for Hereditary cancer-predisposing syndrome. Last evaluated: 2024-09-02. Review status: criteria provided, single submitter. Criteria: Ambry Variant Classification Scheme 2023. Collection method: clinical testing. Allele origin: germline.